The following is an entry in ClinVar:

ClinVar aggregate classification (germline): Uncertain significance. Review status: criteria provided, multiple submitters, no conflicts (2 of 4 stars). 3 submissions from 3 submitters: Uncertain significance (3). Last evaluated 2026-01-31.

Conditions:
Hereditary cancer-predisposing syndrome. Also called: Neoplastic Syndromes, Hereditary; Tumor predisposition; Hereditary Cancer Syndrome; Hereditary neoplastic syndrome. Identifiers: Orphanet 140162, MedGen C0027672, MeSH D009386, MONDO:0015356.
Multiple endocrine neoplasia, type 2 (MEN2). Identifiers: Orphanet 653, MedGen C4048306, MONDO:0019003. Disease mechanism: gain of function.

gnomAD v4.1: 6 of 1,613,942 alleles (0.00037%); highest among the groups gnomAD compares: Non-Finnish European, 0.00051%; no homozygotes.

Submissions (3):

Labcorp Genetics (formerly Invitae), Labcorp
Classification: Uncertain significance for Multiple endocrine neoplasia, type 2. Last evaluated: 2026-01-31. Review status: criteria provided, single submitter. Criteria: Invitae Variant Classification Sherloc (09022015). Collection method: clinical testing. Allele origin: germline.
Comment: This sequence change replaces tyrosine, which is neutral and polar, with aspartic acid, which is acidic and polar, at codon 1015 of the RET protein (p.Tyr1015Asp). This variant is not present in population databases (gnomAD no frequency). This variant has not been reported in the literature in individuals affected with RET-related conditions. ClinVar contains an entry for this variant (Variation ID: 1799180). An algorithm developed to predict the effect of missense changes on protein structure and function (PolyPhen-2) suggests that this variant is likely to be disruptive. In summary, the available evidence is currently insufficient to determine the role of this variant in disease. Therefore, it has been classified as a Variant of Uncertain Significance.

Color Diagnostics, LLC DBA Color Health
Classification: Uncertain significance for Multiple endocrine neoplasia, type 2. Last evaluated: 2025-07-08. Review status: criteria provided, single submitter. Criteria: ACMG Guidelines, 2015. Collection method: clinical testing. Allele origin: germline.
Comment: This missense variant replaces tyrosine with aspartic acid at codon 1015 of the RET protein. Computational prediction suggests that this variant may have deleterious impact on protein structure and function. To our knowledge, functional studies have not been reported for this variant. This variant has not been reported in individuals affected with RET-related disorders in the literature. This variant has not been identified in the general population by the Genome Aggregation Database (gnomAD). The available evidence is insufficient to determine the role of this variant in disease conclusively. Therefore, this variant is classified as a Variant of Uncertain Significance.

Ambry Genetics
Classification: Uncertain significance for Hereditary cancer-predisposing syndrome. Last evaluated: 2024-02-19. Review status: criteria provided, single submitter. Criteria: Ambry Variant Classification Scheme 2023. Collection method: clinical testing. Allele origin: germline.
Comment: The p.Y1015D variant (also known as c.3043T>G), located in coding exon 19 of the RET gene, results from a T to G substitution at nucleotide position 3043. The tyrosine at codon 1015 is replaced by aspartic acid, an amino acid with highly dissimilar properties. This amino acid position is highly conserved in available vertebrate species. In addition, this alteration is predicted to be deleterious by in silico analysis. Based on the available evidence, the clinical significance of this alteration remains unclear.

NM_020975.6(RET):c.3043T>G (p.Tyr1015Asp)

Gene: RET (ret proto-oncogene; plus strand). Cytogenetic location: 10q11.21.
Variant type: single nucleotide variant.
Coding change: c.3043T>G on transcript NM_020975.6 (MANE Select); coding-DNA position 3043, T replaced by G.
Protein change: p.Tyr1015Asp; replaces tyrosine 1015 with aspartic acid.
Molecular consequence: missense variant.
Genome position (GRCh38, 1-based): chr10:43,126,578, T>G. VCF-style: chr10-43126578-T-G. GRCh37 (hg19) VCF-style: chr10-43622026-T-G.
Other names: c.3043T>G, p.Tyr1015Asp (NM_000323.2, NM_001406743.1, NM_001406744.1 and 4 more transcripts); c.2281T>G, p.Tyr761Asp (NM_001355216.2); c.2914T>G, p.Tyr972Asp (NM_001406761.1, NM_001406762.1, NM_001406764.1); c.2908T>G, p.Tyr970Asp (NM_001406763.1, NM_001406765.1); c.2755T>G, p.Tyr919Asp (NM_001406766.1, NM_001406767.1, NM_001406770.1); c.2779T>G, p.Tyr927Asp (NM_001406768.1); c.2647T>G, p.Tyr883Asp (NM_001406769.1, NM_001406772.1); c.2605T>G, p.Tyr869Asp (NM_001406771.1, NM_001406773.1); and 10 more; short protein forms Y685D, Y773D, Y883D, Y927D, Y972D, Y1015D, Y532D, Y676D.
Identifiers: ClinVar variation 1799180 (VCV001799180.7), dbSNP rs1405858449, ClinGen allele CA376558274.